The following is an entry in ClinVar:

NM_001232.4(CASQ2):c.1015-251G>T

Gene: CASQ2 (calsequestrin 2; minus strand). Cytogenetic location: 1p13.1.
Variant type: single nucleotide variant.
Coding change: c.1015-251G>T on transcript NM_001232.4 (MANE Select); 251 bases into the intron before coding-DNA position 1015, G replaced by T.
Molecular consequence: intron variant.
Genome position (GRCh38, 1-based): chr1:115,701,677, C>A on the plus strand (G>T on the coding strand, the complement: CASQ2 is on the minus strand). VCF-style: chr1-115701677-C-A. GRCh37 (hg19) VCF-style: chr1-116244298-C-A.
Identifiers: ClinVar variation 683840 (VCV000683840.1), dbSNP rs4614259, ClinGen allele CA16065098.

ClinVar aggregate classification (germline): Benign (1 of 4 stars; one submission).

Allele frequency attached by ClinVar (database versions not stated): TOPMed 0.22941; gnomAD 0.23021 and 0.23194; 1000 Genomes Project 30x 0.24469; 1000 Genomes Project 0.25020.
gnomAD v4.1: 35,441 of 152,100 alleles (23%); highest among the groups gnomAD compares: South Asian, 29%; 4,176 homozygotes.

Submission:

GeneDx
Classification: Benign. Last evaluated: 2018-06-18. Review status: criteria provided, single submitter. Criteria: GeneDx Variant Classification (06012015). Collection method: clinical testing. Allele origin: germline. Affected: yes.
Comment: This variant is considered likely benign or benign based on one or more of the following criteria: it is a conservative change, it occurs at a poorly conserved position in the protein, it is predicted to be benign by multiple in silico algorithms, and/or has population frequency not consistent with disease.